The following is an entry in ClinVar:

NM_001365951.3(KIF1B):c.2642A>G (p.Tyr881Cys)

Gene: KIF1B (kinesin family member 1B; plus strand). Cytogenetic location: 1p36.22.
Variant type: single nucleotide variant.
Coding change: c.2642A>G on transcript NM_001365951.3 (MANE Select); coding-DNA position 2642, A replaced by G.
Protein change: p.Tyr881Cys; replaces tyrosine 881 with cysteine.
Molecular consequence: missense variant.
Genome position (GRCh38, 1-based): chr1:10,324,862, A>G. VCF-style: chr1-10324862-A-G. GRCh37 (hg19) VCF-style: chr1-10384920-A-G.
Other names: c.2642A>G, p.Tyr881Cys (NM_001365952.1); c.2504A>G, p.Tyr835Cys (NM_015074.3); short protein forms Y881C, Y835C.
Identifiers: ClinVar variation 1421525 (VCV001421525.13), dbSNP rs755850268, ClinGen allele CA581573.

ClinVar aggregate classification (germline): Conflicting classifications of pathogenicity. Review status: criteria provided, conflicting classifications (1 of 4 stars). 3 submissions from 3 submitters: Likely pathogenic (1); Uncertain significance (2). Last evaluated 2025-01-29.

Conditions:
Charcot-Marie-Tooth disease type 2. Also called: Charcot-Marie-Tooth type 2. Identifiers: Orphanet 64746, MedGen C0270914, MONDO:0018993.
Multiple endocrine neoplasia type 2A. Also called: MULTIPLE ENDOCRINE NEOPLASIA, TYPE IIA; PTC SYNDROME; SIPPLE SYNDROME; MEN 2A; MEN-2A syndrome; Pheochromocytoma and amyloid producing medullary thyroid carcinoma. Identifiers: Orphanet 247698, Orphanet 653, MedGen C0025268, MeSH D018813, MONDO:0008234, OMIM 171400.

Allele frequency attached by ClinVar (database versions not stated): gnomAD exomes 0.00001 and 0.00003; ExAC 0.00006; gnomAD 0.00001; TOPMed 0.00003.
gnomAD v4.1: 16 of 1,614,012 alleles (0.00099%); highest among the groups gnomAD compares: Non-Finnish European, 0.0012%; no homozygotes.

Submissions (3):

Labcorp Genetics (formerly Invitae), Labcorp
Classification: Uncertain significance for Charcot-Marie-Tooth disease type 2. Last evaluated: 2025-01-29. Review status: criteria provided, single submitter. Criteria: Invitae Variant Classification Sherloc (09022015). Collection method: clinical testing. Allele origin: germline.
Comment: This sequence change replaces tyrosine, which is neutral and polar, with cysteine, which is neutral and slightly polar, at codon 835 of the KIF1B protein (p.Tyr835Cys). This variant is present in population databases (rs755850268, gnomAD 0.006%). This missense change has been observed in individual(s) with pheochromocytoma (PMID: 24694336). ClinVar contains an entry for this variant (Variation ID: 1421525). An algorithm developed to predict the effect of missense changes on protein structure and function (PolyPhen-2) suggests that this variant is likely to be disruptive. In summary, the available evidence is currently insufficient to determine the role of this variant in disease. Therefore, it has been classified as a Variant of Uncertain Significance.

Ambry Genetics
Classification: Uncertain significance. Last evaluated: 2025-01-21. Review status: criteria provided, single submitter. Criteria: Ambry Variant Classification Scheme 2023. Collection method: clinical testing. Allele origin: germline.
Comment: The p.Y835C variant (also known as c.2504A>G), located in coding exon 23 of the KIF1B gene, results from an A to G substitution at nucleotide position 2504. The tyrosine at codon 835 is replaced by cysteine, an amino acid with highly dissimilar properties. This amino acid position is highly conserved in available vertebrate species. In addition, this alteration is predicted to be deleterious by in silico analysis. The evidence for this gene-disease relationship is limited; therefore, the clinical significance of this alteration is unclear.

Laboratory of Molecular and Cytogenetics, Department of Anatomy, All India Institute of Medical Sciences (AIIMS)
Classification: Likely pathogenic for Multiple endocrine neoplasia type 2A. Last evaluated: 2023-06-06. Review status: criteria provided, single submitter. Criteria: ACMG Guidelines, 2015. Collection method: clinical testing. Allele origin: germline. Affected: yes.

Literature cited by the submitters: PubMed 24694336 (cited by Labcorp Genetics (formerly Invitae), Labcorp and Ambry Genetics).